The following is an entry in ClinVar:

ClinVar aggregate classification (germline): Uncertain significance. Review status: criteria provided, multiple submitters, no conflicts (2 of 4 stars). 2 submissions from 2 submitters: Uncertain significance (2). Last evaluated 2022-08-22.

Conditions:
Cardiovascular phenotype. Identifiers: MedGen CN230736.
Catecholaminergic polymorphic ventricular tachycardia 1. Also called: VENTRICULAR TACHYCARDIA, CATECHOLAMINERGIC POLYMORPHIC, 1, WITH OR WITHOUT ATRIAL DYSFUNCTION AND/OR DILATED CARDIOMYOPATHY; RYR2-Related Catecholaminergic Polymorphic Ventricular Tachycardia; VENTRICULAR TACHYCARDIA, STRESS-INDUCED POLYMORPHIC 1. Identifiers: Orphanet 3286, MedGen C1631597, MONDO:0011484, OMIM 604772.

Submissions (2):

Labcorp Genetics (formerly Invitae), Labcorp
Classification: Uncertain significance for Catecholaminergic polymorphic ventricular tachycardia 1. Last evaluated: 2022-08-22. Review status: criteria provided, single submitter. Criteria: Invitae Variant Classification Sherloc (09022015). Collection method: clinical testing. Allele origin: germline.
Comment: This sequence change replaces arginine, which is basic and polar, with proline, which is neutral and non-polar, at codon 389 of the RYR2 protein (p.Arg389Pro). In summary, the available evidence is currently insufficient to determine the role of this variant in disease. Therefore, it has been classified as a Variant of Uncertain Significance. Advanced modeling of protein sequence and biophysical properties (such as structural, functional, and spatial information, amino acid conservation, physicochemical variation, residue mobility, and thermodynamic stability) performed at Invitae indicates that this missense variant is expected to disrupt RYR2 protein function. ClinVar contains an entry for this variant (Variation ID: 532345). This variant has not been reported in the literature in individuals affected with RYR2-related conditions. This variant is not present in population databases (gnomAD no frequency).

Ambry Genetics
Classification: Uncertain significance for Cardiovascular phenotype. Last evaluated: 2021-02-12. Review status: criteria provided, single submitter. Criteria: Ambry Variant Classification Scheme 2023. Collection method: clinical testing. Allele origin: germline.
Comment: The p.R389P variant (also known as c.1166G>C), located in coding exon 13 of the RYR2 gene, results from a G to C substitution at nucleotide position 1166. The arginine at codon 389 is replaced by proline, an amino acid with dissimilar properties. This amino acid position is highly conserved in available vertebrate species. In addition, this alteration is predicted to be deleterious by in silico analysis. Since supporting evidence is limited at this time, the clinical significance of this alteration remains unclear.

NM_001035.3(RYR2):c.1166G>C (p.Arg389Pro)

Gene: RYR2 (ryanodine receptor 2; plus strand). Cytogenetic location: 1q43.
Variant type: single nucleotide variant.
Coding change: c.1166G>C on transcript NM_001035.3 (MANE Select); coding-DNA position 1166, G replaced by C.
Protein change: p.Arg389Pro; replaces arginine 389 with proline.
Molecular consequence: missense variant.
Genome position (GRCh38, 1-based): chr1:237,441,479, G>C. VCF-style: chr1-237441479-G-C. GRCh37 (hg19) VCF-style: chr1-237604779-G-C.
Other names: c.1166G>C, p.Arg389Pro (LRG_402t1); short protein forms R389P.
Identifiers: ClinVar variation 532345 (VCV000532345.12), dbSNP rs200685968, ClinGen allele CA345376667.
Genomic context (GRCh38, chr1:237,441,479, plus strand): 5'-GCCTATGGCTTACTTACCAGTCTGTGGACGTGAAATCCGTGAGAATGGGATCTATACAAC[G>C]TAAGGTAAGGTGATAGAAAAAAACATAATTTATAGAAGTAATTTTTTATGAATACACAAG-3'
Protein context (NP_001026.2, residues 379-399): VKSVRMGSIQ[Arg389Pro]KAIMHHEGHM